The following is an entry in ClinVar:

ClinVar aggregate classification (germline): Uncertain significance (0 of 4 stars; one submission).

Conditions:
Prostate cancer. Also called: Malignant tumor of prostate. Identifiers: Orphanet 1331, MedGen C0376358, MONDO:0008315, HP:0012125.

Submission:

Science for Life laboratory,  Karolinska Institutet
Classification: Uncertain significance for Malignant tumor of prostate. Review status: no assertion criteria provided. Collection method: not provided. Allele origin: somatic.
Comment: TumorID:SWE-19
ClinVar note: Converted during submission from Unknown to Uncertain significance.

NM_001385562.1(ARPP21):c.1355G>T (p.Gly452Val)

Gene: ARPP21 (cAMP regulated phosphoprotein 21; plus strand). Cytogenetic location: 3p22.3.
Variant type: single nucleotide variant.
Coding change: c.1355G>T on transcript NM_001385562.1 (MANE Select); coding-DNA position 1355, G replaced by T.
Protein change: p.Gly452Val; replaces glycine 452 with valine.
Molecular consequence: missense variant. On other transcripts: non-coding transcript variant (10).
Genome position (GRCh38, 1-based): chr3:35,729,432, G>T. VCF-style: chr3-35729432-G-T. GRCh37 (hg19) VCF-style: chr3-35770924-G-T.
Other names: c.1193G>T, p.Gly398Val (NM_001267617.2, NM_001385488.1, NM_001385489.1 and 9 more transcripts); c.1253G>T, p.Gly418Val (NM_001267619.2, NM_001385484.1, NM_001385485.1 and 5 more transcripts); c.1355G>T, p.Gly452Val (NM_001385490.1, NM_016300.5, NM_001385592.1 and 2 more transcripts); c.1049G>T, p.Gly350Val (NM_001385491.1); c.1352G>T, p.Gly451Val (NM_001385495.1, NM_001385591.1); c.1175G>T, p.Gly392Val (NM_001385496.1); c.1196G>T, p.Gly399Val (NM_001385573.1, NM_001385582.1, NM_001385584.1 and 1 more transcripts); c.914G>T, p.Gly305Val (NM_001385517.1); and 5 more; short protein forms G452V, G398V, G418V, G305V, G350V, G392V, G395V, G396V.
Identifiers: ClinVar variation 161701 (VCV000161701.2), dbSNP rs193920911, ClinGen allele CA174623.